The following is an entry in ClinVar:

ClinVar aggregate classification (germline): Uncertain significance (1 of 4 stars; one submission).

Conditions:
Dilated cardiomyopathy 1DD (CMD1DD). Identifiers: Orphanet 154, MedGen C2750995, MONDO:0013168, OMIM 613172.

Submission:

Labcorp Genetics (formerly Invitae), Labcorp
Classification: Uncertain significance for Dilated cardiomyopathy 1DD. Last evaluated: 2026-01-19. Review status: criteria provided, single submitter. Criteria: Invitae Variant Classification Sherloc (09022015). Collection method: clinical testing. Allele origin: germline.
Comment: This sequence change replaces proline, which is neutral and non-polar, with threonine, which is neutral and polar, at codon 645 of the RBM20 protein (p.Pro645Thr). This variant is not present in population databases (gnomAD no frequency). This variant has not been reported in the literature in individuals affected with RBM20-related conditions. Invitae Evidence Modeling of protein sequence and biophysical properties (such as structural, functional, and spatial information, amino acid conservation, physicochemical variation, residue mobility, and thermodynamic stability) has been performed for this missense variant. However, the output from this modeling did not meet the statistical confidence thresholds required to predict the impact of this variant on RBM20 protein function. In summary, the available evidence is currently insufficient to determine the role of this variant in disease. Therefore, it has been classified as a Variant of Uncertain Significance.

NM_001134363.3(RBM20):c.1933C>A (p.Pro645Thr)

Gene: RBM20 (RNA binding motif protein 20; plus strand). Cytogenetic location: 10q25.2.
Variant type: single nucleotide variant.
Coding change: c.1933C>A on transcript NM_001134363.3 (MANE Select); coding-DNA position 1933, C replaced by A.
Protein change: p.Pro645Thr; replaces proline 645 with threonine.
Molecular consequence: missense variant.
Genome position (GRCh38, 1-based): chr10:110,812,330, C>A. VCF-style: chr10-110812330-C-A. GRCh37 (hg19) VCF-style: chr10-112572088-C-A.
Other names: short protein forms P645T.
Identifiers: ClinVar variation 4802655 (VCV004802655.1).
Genomic context (GRCh38, chr10:110,812,330, plus strand): 5'-CCTCACAGATATGGCCCAGAAAGGCCGCGGTCTCGTAGTCCGGTGAGCCGGTCACTCTCC[C>A]CGAGGTCCCACACTCCCAGCTTCACCTCCTGCAGCTCTTCCCACAGCCCTCCGGGCCCCT-3'
Protein context (NP_001127835.2, residues 635-655): SRSPVSRSLS[Pro645Thr]RSHTPSFTSC